The following is an entry in ClinVar:

NM_002109.6(HARS1):c.1484T>C (p.Val495Ala)

Gene: HARS1 (histidyl-tRNA synthetase 1; minus strand). Cytogenetic location: 5q31.3.
Variant type: single nucleotide variant.
Coding change: c.1484T>C on transcript NM_002109.6 (MANE Select); coding-DNA position 1484, T replaced by C.
Protein change: p.Val495Ala; replaces valine 495 with alanine.
Molecular consequence: missense variant.
Genome position (GRCh38, 1-based): chr5:140,674,303, A>G on the plus strand (T>C on the coding strand, the complement: HARS1 is on the minus strand). VCF-style: chr5-140674303-A-G. GRCh37 (hg19) VCF-style: chr5-140053888-A-G.
Other names: c.1484T>C (NM_002109.3); c.1364T>C, p.Val455Ala (NM_001258040.3); c.1424T>C, p.Val475Ala (NM_001258041.3); c.1304T>C, p.Val435Ala (NM_001258042.3); c.1262T>C, p.Val421Ala (NM_001289092.2); c.1142T>C, p.Val381Ala (NM_001289093.2); c.1397T>C, p.Val466Ala (NM_001289094.2); short protein forms V435A, V466A, V475A, V381A, V421A, V455A, V495A.
Identifiers: ClinVar variation 1039735 (VCV001039735.10), dbSNP rs138377835, ClinGen allele CA3443799.

ClinVar aggregate classification (germline): Conflicting classifications of pathogenicity. Review status: criteria provided, conflicting classifications (1 of 4 stars). 3 submissions from 3 submitters: Uncertain significance (2); Likely benign (1). Last evaluated 2025-01-27.

Conditions:
Usher syndrome type 3B. Also called: USHER SYNDROME, TYPE IIIB. Identifiers: MedGen C3281066, MONDO:0013788, OMIM 614504.

Allele frequency attached by ClinVar (database versions not stated): gnomAD exomes 0.00001 and 0.00002; ExAC 0.00002; gnomAD 0.00012 and 0.00013; TOPMed 0.00014; ESP Exome Variant Server 0.00031.

Submissions (3):

Ambry Genetics
Classification: Likely benign. Last evaluated: 2025-01-27. Review status: criteria provided, single submitter. Criteria: Ambry Variant Classification Scheme 2023. Collection method: clinical testing. Allele origin: germline.

Labcorp Genetics (formerly Invitae), Labcorp
Classification: Uncertain significance for Usher syndrome type 3B. Last evaluated: 2025-01-07. Review status: criteria provided, single submitter. Criteria: Invitae Variant Classification Sherloc (09022015). Collection method: clinical testing. Allele origin: germline.
Comment: This sequence change replaces valine, which is neutral and non-polar, with alanine, which is neutral and non-polar, at codon 495 of the HARS protein (p.Val495Ala). This variant is present in population databases (rs138377835, gnomAD 0.02%). This variant has not been reported in the literature in individuals affected with HARS-related conditions. ClinVar contains an entry for this variant (Variation ID: 1039735). Invitae Evidence Modeling of protein sequence and biophysical properties (such as structural, functional, and spatial information, amino acid conservation, physicochemical variation, residue mobility, and thermodynamic stability) indicates that this missense variant is not expected to disrupt HARS protein function with a negative predictive value of 80%. In summary, the available evidence is currently insufficient to determine the role of this variant in disease. Therefore, it has been classified as a Variant of Uncertain Significance.

Blueprint Genetics
Classification: Uncertain significance. Last evaluated: 2023-03-29. Review status: criteria provided, single submitter. Criteria: ACMG Guidelines, 2015. Collection method: clinical testing. Allele origin: germline.